The following is an entry in ClinVar:

ClinVar aggregate classification (germline): Uncertain significance (1 of 4 stars; one submission).

Submission:

Labcorp Genetics (formerly Invitae), Labcorp
Classification: Uncertain significance. Last evaluated: 2022-01-13. Review status: criteria provided, single submitter. Criteria: Invitae Variant Classification Sherloc (09022015). Collection method: clinical testing. Allele origin: germline.
Comment: This variant is not present in population databases (gnomAD no frequency). In summary, the available evidence is currently insufficient to determine the role of this variant in disease. Therefore, it has been classified as a Variant of Uncertain Significance. Experimental studies and prediction algorithms are not available or were not evaluated, and the functional significance of this variant is currently unknown. This variant has not been reported in the literature in individuals affected with PCLO-related conditions. This variant, c.13468_13470del, results in the deletion of 1 amino acid(s) of the PCLO protein (p.Tyr4490del), but otherwise preserves the integrity of the reading frame.

NM_033026.6(PCLO):c.13468_13470del (p.Tyr4490del)

Gene: PCLO (piccolo presynaptic cytomatrix protein; minus strand). Cytogenetic location: 7q21.11.
Variant type: Deletion.
Coding change: c.13468_13470del on transcript NM_033026.6 (MANE Select); coding-DNA positions 13468 to 13470, 3 bases deleted (TAC; older notation c.13468_13470delTAC).
Protein change: p.Tyr4490del; deletes tyrosine 4490.
Molecular consequence: inframe deletion.
Genome position (GRCh38, 1-based): chr7:82,902,709-82,902,711, GTA deleted on the plus strand (TAC on the coding strand, the reverse complement: PCLO is on the minus strand); deleting any 3 consecutive bases within chr7:82,902,709-82,902,713 gives the same sequence; the c. name uses the placement nearest the transcript's 3' end. VCF-style (leftmost placement, unchanged base first): chr7-82902708-TGTA-T. GRCh37 (hg19) VCF-style: chr7-82532024-TGTA-T.
Other names: c.13468_13470del, p.Tyr4490del (NM_014510.3); short protein forms Y4490del.
Identifiers: ClinVar variation 2080905 (VCV002080905.4), dbSNP rs2535509335, ClinGen allele CA2580077408.
Genomic context (GRCh38, chr7:82,902,708, plus strand): 5'-TACCTGAAACTGTGTGATCCTTTGAGTCTCTTGTTATTTTTATCCTTGCGTGAGGAAAGA[TGTA>T]GTGCATAGTTTTCCCGTTCATCTGTATAATCTAAGACATACATGTAGTAAGGTAAAAAAC-3'